The following is an entry in ClinVar:

NM_001370338.1(SLC7A2):c.-19G>A

Gene: SLC7A2 (solute carrier family 7 member 2; plus strand). Cytogenetic location: 8p22.
Variant type: single nucleotide variant.
Coding change: c.-19G>A on transcript NM_001370338.1 (MANE Select); 19 bases upstream of the start codon, G replaced by A.
Molecular consequence: 5 prime UTR variant. On other transcripts: synonymous variant (2).
Genome position (GRCh38, 1-based): chr8:17,543,321, G>A. VCF-style: chr8-17543321-G-A. GRCh37 (hg19) VCF-style: chr8-17400830-G-A.
Other names: c.-19G>A (NM_001008539.4, NM_001370337.1); c.102G>A, p.Ser34= (NM_001164771.2, NM_003046.6).
Identifiers: ClinVar variation 3039705 (VCV003039705.2), dbSNP rs114541623, ClinGen allele CA4644540.

ClinVar aggregate classification (germline): Benign (0 of 4 stars; one submission).

Conditions:
SLC7A2-related disorder. Also called: SLC7A2-related condition.

Allele frequency attached by ClinVar (database versions not stated): ExAC 0.00367; gnomAD 0.01036; ESP Exome Variant Server 0.01130; TOPMed 0.01155; 1000 Genomes Project 0.01338; 1000 Genomes Project 30x 0.01359.

Submission:

PreventionGenetics, part of Exact Sciences
Classification: Benign for SLC7A2-related condition. Last evaluated: 2019-12-06. Review status: no assertion criteria provided. Collection method: clinical testing. Allele origin: germline.
Comment: This variant is classified as benign based on ACMG/AMP sequence variant interpretation guidelines (Richards et al. 2015 PMID: 25741868, with internal and published modifications).